The following is an entry in ClinVar:

NM_017802.4(DNAAF5):c.1978C>A (p.Pro660Thr)

Gene: DNAAF5 (dynein axonemal assembly factor 5; plus strand). Cytogenetic location: 7p22.3.
Variant type: single nucleotide variant.
Coding change: c.1978C>A on transcript NM_017802.4 (MANE Select); coding-DNA position 1978, C replaced by A.
Protein change: p.Pro660Thr; replaces proline 660 with threonine.
Molecular consequence: missense variant. On other transcripts: non-coding transcript variant (1).
Genome position (GRCh38, 1-based): chr7:774,094, C>A. VCF-style: chr7-774094-C-A. GRCh37 (hg19) VCF-style: chr7-813731-C-A.
Other names: short protein forms P660T.
Identifiers: ClinVar variation 1432149 (VCV001432149.6), dbSNP rs1778670673, ClinGen allele CA366544526.
Genomic context (GRCh38, chr7:774,094, plus strand): 5'-CGTTCCGGTTCCAGGCAGTTTCCCAGCTACCTCGAGACGGTGACAAAGGACATCCTGGCC[C>A]CCAATCTGCAGTGGCATGCGGGGAGGACAGCCGCGGCCATCCGCACGGCTGCCGTGTCCT-3'
Protein context (NP_060272.3, residues 650-670): LETVTKDILA[Pro660Thr]NLQWHAGRTA

ClinVar aggregate classification (germline): Uncertain significance (1 of 4 stars; one submission).

Conditions:
Primary ciliary dyskinesia. Also called: Ciliary dyskinesia. Identifiers: Orphanet 244, MedGen C0008780, MONDO:0016575, HP:0012265.

Submission:

Labcorp Genetics (formerly Invitae), Labcorp
Classification: Uncertain significance for Primary ciliary dyskinesia. Last evaluated: 2022-06-13. Review status: criteria provided, single submitter. Criteria: Invitae Variant Classification Sherloc (09022015). Collection method: clinical testing. Allele origin: germline.
Comment: This sequence change replaces proline, which is neutral and non-polar, with threonine, which is neutral and polar, at codon 660 of the DNAAF5 protein (p.Pro660Thr). This variant is not present in population databases (gnomAD no frequency). This variant has not been reported in the literature in individuals affected with DNAAF5-related conditions. Algorithms developed to predict the effect of missense changes on protein structure and function are either unavailable or do not agree on the potential impact of this missense change (SIFT: "Deleterious"; PolyPhen-2: "Probably Damaging"; Align-GVGD: "Class C0"). In summary, the available evidence is currently insufficient to determine the role of this variant in disease. Therefore, it has been classified as a Variant of Uncertain Significance.